The following is an entry in ClinVar:

NM_001256789.3(CACNA1F):c.4802G>C (p.Ser1601Thr)

Genes: CACNA1F (calcium voltage-gated channel subunit alpha1 F; minus strand), LOC126863257 (BRD4-independent group 4 enhancer GRCh37_chrX:49065732-49066931; plus strand). Cytogenetic location: Xp11.23.
Variant type: single nucleotide variant.
Coding change: c.4802G>C on transcript NM_001256789.3 (MANE Select); coding-DNA position 4802, G replaced by C.
Protein change: p.Ser1601Thr; replaces serine 1601 with threonine.
Molecular consequence: missense variant.
Genome position (GRCh38, 1-based): chrX:49,209,648, C>G on the plus strand (G>C on the coding strand, the complement: CACNA1F is on the minus strand). VCF-style: chrX-49209648-C-G. GRCh37 (hg19) VCF-style: chrX-49066108-C-G.
Other names: c.4640G>C, p.Ser1547Thr (NM_001256790.3); c.4835G>C, p.Ser1612Thr (NM_005183.4); c.4835G>C (NM_005183.2); short protein forms S1612T, S1547T, S1601T.
Identifiers: ClinVar variation 1515149 (VCV001515149.7), dbSNP rs782561930, ClinGen allele CA329136834.

ClinVar aggregate classification (germline): Uncertain significance. Review status: criteria provided, multiple submitters, no conflicts (2 of 4 stars). 2 submissions from 2 submitters: Uncertain significance (2). Last evaluated 2024-02-23.

Conditions:
Inborn genetic diseases. Identifiers: MedGen C0950123, MeSH D030342.

Allele frequency attached by ClinVar (database versions not stated): gnomAD 0.00001; gnomAD exomes 0.00002 and 0.00004; TOPMed 0.00002.
gnomAD v4.1: 38 of 1,209,763 alleles (0.0031%); highest among the groups gnomAD compares: Non-Finnish European, 0.004%; no homozygotes.

Submissions (2):

Labcorp Genetics (formerly Invitae), Labcorp
Classification: Uncertain significance. Last evaluated: 2024-02-23. Review status: criteria provided, single submitter. Criteria: Invitae Variant Classification Sherloc (09022015). Collection method: clinical testing. Allele origin: germline.
Comment: This sequence change replaces serine, which is neutral and polar, with threonine, which is neutral and polar, at codon 1612 of the CACNA1F protein (p.Ser1612Thr). This variant is present in population databases (rs782561930, gnomAD 0.004%). This variant has not been reported in the literature in individuals affected with CACNA1F-related conditions. ClinVar contains an entry for this variant (Variation ID: 1515149). Advanced modeling of protein sequence and biophysical properties (such as structural, functional, and spatial information, amino acid conservation, physicochemical variation, residue mobility, and thermodynamic stability) performed at Invitae indicates that this missense variant is not expected to disrupt CACNA1F protein function with a negative predictive value of 80%. In summary, the available evidence is currently insufficient to determine the role of this variant in disease. Therefore, it has been classified as a Variant of Uncertain Significance.

Ambry Genetics
Classification: Uncertain significance for Inborn genetic diseases. Last evaluated: 2022-12-01. Review status: criteria provided, single submitter. Criteria: Ambry Variant Classification Scheme 2023. Collection method: clinical testing. Allele origin: germline.